The following is an entry in ClinVar:

ClinVar aggregate classification (germline): Uncertain significance (1 of 4 stars; one submission).

gnomAD v4.1: 1 of 1,613,700 alleles (0.000062%); highest among the groups gnomAD compares: Non-Finnish European, 0.000085%; no homozygotes.

Submission:

Labcorp Genetics (formerly Invitae), Labcorp
Classification: Uncertain significance. Last evaluated: 2026-01-07. Review status: criteria provided, single submitter. Criteria: Invitae Variant Classification Sherloc (09022015). Collection method: clinical testing. Allele origin: germline.
Comment: This sequence change replaces alanine, which is neutral and non-polar, with glutamic acid, which is acidic and polar, at codon 533 of the C3 protein (p.Ala533Glu). This variant is present in population databases (rs773305601, gnomAD 0.0009%). This variant has not been reported in the literature in individuals affected with C3-related conditions. Invitae Evidence Modeling of protein sequence and biophysical properties (such as structural, functional, and spatial information, amino acid conservation, physicochemical variation, residue mobility, and thermodynamic stability) indicates that this missense variant is expected to disrupt C3 protein function with a positive predictive value of 80%. In summary, the available evidence is currently insufficient to determine the role of this variant in disease. Therefore, it has been classified as a Variant of Uncertain Significance.

NM_000064.4(C3):c.1598C>A (p.Ala533Glu)

Gene: C3 (complement C3; minus strand). Cytogenetic location: 19p13.3.
Variant type: single nucleotide variant.
Coding change: c.1598C>A on transcript NM_000064.4 (MANE Select); coding-DNA position 1598, C replaced by A.
Protein change: p.Ala533Glu; replaces alanine 533 with glutamic acid.
Molecular consequence: missense variant.
Genome position (GRCh38, 1-based): chr19:6,710,727, G>T on the plus strand (C>A on the coding strand, the complement: C3 is on the minus strand). VCF-style: chr19-6710727-G-T. GRCh37 (hg19) VCF-style: chr19-6710738-G-T.
Other names: short protein forms A533E.
Identifiers: ClinVar variation 4744242 (VCV004744242.1).